The following is an entry in ClinVar:

ClinVar aggregate classification (germline): Uncertain significance (1 of 4 stars; one submission).

Allele frequency attached by ClinVar (database versions not stated): gnomAD 0.00001; TOPMed 0.00001; gnomAD exomes 0.00002; ExAC 0.00005.
gnomAD v4.1: 28 of 1,613,898 alleles (0.0017%); highest among the groups gnomAD compares: Non-Finnish European, 0.0024%; no homozygotes.

Submission:

Labcorp Genetics (formerly Invitae), Labcorp
Classification: Uncertain significance. Last evaluated: 2022-11-10. Review status: criteria provided, single submitter. Criteria: Invitae Variant Classification Sherloc (09022015). Collection method: clinical testing. Allele origin: germline.
Comment: This sequence change replaces leucine, which is neutral and non-polar, with tryptophan, which is neutral and slightly polar, at codon 290 of the EDNRA protein (p.Leu290Trp). In summary, the available evidence is currently insufficient to determine the role of this variant in disease. Therefore, it has been classified as a Variant of Uncertain Significance. Algorithms developed to predict the effect of missense changes on protein structure and function (SIFT, PolyPhen-2, Align-GVGD) all suggest that this variant is likely to be disruptive. This variant has not been reported in the literature in individuals affected with EDNRA-related conditions. This variant is present in population databases (rs753632116, gnomAD 0.008%).

NM_001957.4(EDNRA):c.869T>G (p.Leu290Trp)

Gene: EDNRA (endothelin receptor type A; plus strand). Cytogenetic location: 4q31.23.
Variant type: single nucleotide variant.
Coding change: c.869T>G on transcript NM_001957.4 (MANE Select); coding-DNA position 869, T replaced by G.
Protein change: p.Leu290Trp; replaces leucine 290 with tryptophan.
Molecular consequence: missense variant. On other transcripts: non-coding transcript variant (3).
Genome position (GRCh38, 1-based): chr4:147,535,998, T>G. VCF-style: chr4-147535998-T-G. GRCh37 (hg19) VCF-style: chr4-148457150-T-G.
Other names: c.542T>G, p.Leu181Trp (NM_001166055.2); short protein forms L181W, L290W.
Identifiers: ClinVar variation 2970242 (VCV002970242.3), dbSNP rs753632116, ClinGen allele CA3097977.